The following is an entry in ClinVar:

ClinVar aggregate classification (germline): Uncertain significance (1 of 4 stars; one submission).

Conditions:
Familial thoracic aortic aneurysm and aortic dissection (TAAD). Also called: Thoracic aortic aneurysms and dissections. Identifiers: Orphanet 91387, MedGen C4707243, MONDO:0019625.

Submission:

Ambry Genetics
Classification: Uncertain significance for Familial thoracic aortic aneurysm and aortic dissection. Last evaluated: 2024-10-27. Review status: criteria provided, single submitter. Criteria: Ambry Variant Classification Scheme 2023. Collection method: clinical testing. Allele origin: germline.
Comment: The p.L24M variant (also known as c.70C>A), located in coding exon 1 of the TGFB3 gene, results from a C to A substitution at nucleotide position 70. The leucine at codon 24 is replaced by methionine, an amino acid with highly similar properties. This amino acid position is conserved. In addition, this alteration is predicted to be tolerated by in silico analysis. Based on the available evidence, the clinical significance of this variant remains unclear.

NM_003239.5(TGFB3):c.70C>A (p.Leu24Met)

Gene: TGFB3 (transforming growth factor beta 3; minus strand). Cytogenetic location: 14q24.3.
Variant type: single nucleotide variant.
Coding change: c.70C>A on transcript NM_003239.5 (MANE Select); coding-DNA position 70, C replaced by A.
Protein change: p.Leu24Met; replaces leucine 24 with methionine.
Molecular consequence: missense variant.
Genome position (GRCh38, 1-based): chr14:75,980,824, G>T on the plus strand (C>A on the coding strand, the complement: TGFB3 is on the minus strand). VCF-style: chr14-75980824-G-T. GRCh37 (hg19) VCF-style: chr14-76447167-G-T.
Other names: c.70C>A, p.Leu24Met (NM_001329938.2, NM_001329939.2); short protein forms L24M.
Identifiers: ClinVar variation 3455811 (VCV003455811.1).